The following is an entry in ClinVar:

NM_012469.4(PRPF6):c.569A>G (p.His190Arg)

Gene: PRPF6 (pre-mRNA processing factor 6; plus strand). Cytogenetic location: 20q13.33.
Variant type: single nucleotide variant.
Coding change: c.569A>G on transcript NM_012469.4 (MANE Select); coding-DNA position 569, A replaced by G.
Protein change: p.His190Arg; replaces histidine 190 with arginine.
Molecular consequence: missense variant.
Genome position (GRCh38, 1-based): chr20:63,995,046, A>G. VCF-style: chr20-63995046-A-G. GRCh37 (hg19) VCF-style: chr20-62626399-A-G.
Other names: short protein forms H190R.
Identifiers: ClinVar variation 4773939 (VCV004773939.1).

ClinVar aggregate classification (germline): Uncertain significance (1 of 4 stars; one submission).

gnomAD v4.1: 2 of 1,614,190 alleles (0.00012%); highest among the groups gnomAD compares: Non-Finnish European, 0.00017%; no homozygotes.

Submission:

Labcorp Genetics (formerly Invitae), Labcorp
Classification: Uncertain significance. Last evaluated: 2025-04-03. Review status: criteria provided, single submitter. Criteria: Invitae Variant Classification Sherloc (09022015). Collection method: clinical testing. Allele origin: germline.
Comment: This sequence change replaces histidine, which is basic and polar, with arginine, which is basic and polar, at codon 190 of the PRPF6 protein (p.His190Arg). This variant is present in population databases (rs771205248, gnomAD 0.0009%). This variant has not been reported in the literature in individuals affected with PRPF6-related conditions. Invitae Evidence Modeling of protein sequence and biophysical properties (such as structural, functional, and spatial information, amino acid conservation, physicochemical variation, residue mobility, and thermodynamic stability) indicates that this missense variant is not expected to disrupt PRPF6 protein function with a negative predictive value of 80%. In summary, the available evidence is currently insufficient to determine the role of this variant in disease. Therefore, it has been classified as a Variant of Uncertain Significance.